The following is an entry in ClinVar:

NM_000350.3(ABCA4):c.1958G>T (p.Arg653Leu)

Gene: ABCA4 (ATP binding cassette subfamily A member 4; minus strand). Cytogenetic location: 1p22.1.
Variant type: single nucleotide variant.
Coding change: c.1958G>T on transcript NM_000350.3 (MANE Select); coding-DNA position 1958, G replaced by T.
Protein change: p.Arg653Leu; replaces arginine 653 with leucine.
Molecular consequence: missense variant.
Genome position (GRCh38, 1-based): chr1:94,060,739, C>A on the plus strand (G>T on the coding strand, the complement: ABCA4 is on the minus strand). VCF-style: chr1-94060739-C-A. GRCh37 (hg19) VCF-style: chr1-94526295-C-A.
Other names: c.1958G>T, p.Arg653Leu (NM_001425324.1); short protein forms R653L.
Identifiers: ClinVar variation 635441 (VCV000635441.9), dbSNP rs141823837, ClinGen allele CA341278906.

ClinVar aggregate classification (germline): Likely pathogenic. Review status: criteria provided, multiple submitters, no conflicts (2 of 4 stars). 6 submissions from 6 submitters: Likely pathogenic (4). 2 of the submissions do not count toward it. Last evaluated 2025-07-11.

Conditions:
Age related macular degeneration 2. Also called: MACULAR DEGENERATION, SENILE; MACULOPATHY, AGE-RELATED, 2; MACULOPATHY, AGE-RELATED. Identifiers: MedGen C3495438, MONDO:0007932, OMIM 153800.
Severe early-childhood-onset retinal dystrophy (STGD1). Also called: MACULAR DYSTROPHY WITH FLECKS, TYPE 1; STGD; Stargardt macular dystrophy; Juvenile onset macular degeneration; Stargardt disease 1. Identifiers: Orphanet 364055, Orphanet 827, MedGen C1855465, MeSH D000080362, MONDO:0009549, OMIM 248200.
Retinitis pigmentosa 19 (RP19). Also called: ABCA4-Related Retinitis Pigmentosa. Identifiers: Orphanet 791, MedGen C1866422, MONDO:0011137, OMIM 601718.
Cone-rod dystrophy 3 (CORD3). Identifiers: Orphanet 1872, MedGen C1858806, MONDO:0011395, OMIM 604116.
Stargardt disease (FFM). Also called: Stargardt's disease; Fundus flavimaculatus. Identifiers: Orphanet 827, MedGen C0271093, MONDO:0019353.
ABCA4-related disorder. Also called: ABCA4-related condition; ABCA4-related disorders. Identifiers: MedGen CN239167.
Retinal dystrophy. Also called: Inherited retinal dystrophy. Identifiers: Orphanet 71862, MedGen C0854723, MeSH D058499, MONDO:0019118, HP:0000556.

Submissions (6):

Labcorp Genetics (formerly Invitae), Labcorp
Classification: Likely pathogenic. Last evaluated: 2025-07-11. Review status: criteria provided, single submitter. Criteria: Invitae Variant Classification Sherloc (09022015). Collection method: clinical testing. Allele origin: germline.
Comment: This sequence change replaces arginine, which is basic and polar, with leucine, which is neutral and non-polar, at codon 653 of the ABCA4 protein (p.Arg653Leu). This variant is not present in population databases (gnomAD no frequency). This missense change has been observed in individual(s) with clinical features of Stargardt Disease (internal data). ClinVar contains an entry for this variant (Variation ID: 635441). Invitae Evidence Modeling of protein sequence and biophysical properties (such as structural, functional, and spatial information, amino acid conservation, physicochemical variation, residue mobility, and thermodynamic stability) indicates that this missense variant is expected to disrupt ABCA4 protein function with a positive predictive value of 95%. This variant disrupts the p.Arg653 amino acid residue in ABCA4. Other variant(s) that disrupt this residue have been determined to be pathogenic (PMID: 23776498, 28559085). This suggests that this residue is clinically significant, and that variants that disrupt this residue are likely to be disease-causing. In summary, the currently available evidence indicates that the variant is pathogenic, but additional data are needed to prove that conclusively. Therefore, this variant has been classified as Likely Pathogenic.

Fulgent Genetics
Classification: Likely pathogenic for Age related macular degeneration 2; Severe early-childhood-onset retinal dystrophy; Retinitis pigmentosa 19; Cone-rod dystrophy 3. Last evaluated: 2024-02-26. Review status: criteria provided, single submitter. Criteria: ACMG Guidelines, 2015. Collection method: clinical testing. Allele origin: germline.

Institute of Human Genetics, Univ. Regensburg, Univ. Regensburg
Classification: Likely pathogenic for Retinal dystrophy. Last evaluated: 2023-01-01. Review status: criteria provided, single submitter. Criteria: ACMG Guidelines, 2015. Collection method: clinical testing. Allele origin: germline. Affected: yes.

Blueprint Genetics
Classification: Likely pathogenic for ABCA4-related disorders. Last evaluated: 2022-08-21. Review status: criteria provided, single submitter. Criteria: ACMG Guidelines, 2015. Collection method: clinical testing. Allele origin: germline. Affected: yes. Observed: 1 variant allele.

Sharon lab, Hadassah-Hebrew University Medical Center
Classification: Likely pathogenic for Stargardt disease. Last evaluated: 2019-06-23. Review status: no assertion criteria provided. Collection method: research. Allele origin: inherited. Affected: yes. Not counted in ClinVar's aggregate classification.

Bioscientia Institut fuer Medizinische Diagnostik GmbH, Sonic Healthcare
Classification: Likely pathogenic for Cone-rod dystrophy 3. Last evaluated: 2018-11-05. Review status: no assertion criteria provided. Collection method: clinical testing. Allele origin: germline. Affected: yes. Not counted in ClinVar's aggregate classification.

Literature cited by the submitters: PubMed 23776498 (cited by Labcorp Genetics (formerly Invitae), Labcorp); PubMed 28559085 (cited by Labcorp Genetics (formerly Invitae), Labcorp); PubMed 31456290 (cited by Institute of Human Genetics, Univ. Regensburg, Univ. Regensburg); PubMed 3230744 (cited by Institute of Human Genetics, Univ. Regensburg, Univ. Regensburg).